The following is an entry in ClinVar:

ClinVar aggregate classification (germline): Pathogenic/Likely pathogenic. Review status: criteria provided, multiple submitters, no conflicts (2 of 4 stars). 4 submissions from 4 submitters: Pathogenic (3); Likely pathogenic (1). Last evaluated 2025-04-30.

Conditions:
NDUFB11-related optic atrophy.
Mitochondrial complex I deficiency, nuclear type 30. Also called: Mitochondrial complex 1 deficiency, nuclear type 30. Identifiers: MedGen C4746985, MONDO:0026721, OMIM 301021.
Linear skin defects with multiple congenital anomalies 3 (LSDMCA3). Also called: LINEAR SKIN DEFECTS WITH CARDIOMYOPATHY AND OTHER CONGENITAL ANOMALIES. Identifiers: Orphanet 2556, MedGen C4225421, MONDO:0010494, OMIM 300952.

Submissions (4):

Institute of Human Genetics, University of Leipzig Medical Center
Classification: Pathogenic for Mitochondrial complex I deficiency, nuclear type 30. Last evaluated: 2025-04-30. Review status: criteria provided, single submitter. Criteria: ACMG Guidelines, 2015. Collection method: clinical testing. Allele origin: maternal. Inheritance: X-linked recessive inheritance. Affected: yes.
Comment: Criteria applied: PM2,PM4,PS2,PS3,PS4

GeneDx
Classification: Pathogenic. Last evaluated: 2022-08-31. Review status: criteria provided, single submitter. Criteria: GeneDx Variant Classification Process June 2021. Collection method: clinical testing. Allele origin: germline. Affected: yes.
Comment: Published functional studies suggest the variant causes a proliferation defect (Lichtenstein et al., 2016); In silico analysis supports a deleterious effect on protein structure/function; Not observed at significant frequency in large population cohorts (gnomAD); In-frame deletion of 1 amino acid in a non-repeat region; This variant is associated with the following publications: (PMID: 34985130, 27488349, 30098397, 27102574)

Clinical Genetics Service, Universitary Hospital 12 de Octubre
Classification: Pathogenic for NDUFB11-related optic atrophy. Review status: criteria provided, single submitter. Criteria: ACMG Guidelines, 2015. Collection method: clinical testing. Allele origin: germline. Affected: yes.

Juno Genomics, Hangzhou Juno Genomics, Inc
Classification: Likely pathogenic for Mitochondrial complex I deficiency, nuclear type 30; Linear skin defects with multiple congenital anomalies 3. Review status: criteria provided, single submitter. Criteria: ACMG Guidelines, 2015. Collection method: clinical testing. Allele origin: germline. Affected: yes.
Comment: Absent from controls (or at extremely low frequency if recessive) in Genome Aggregation Database, Exome Sequencing Project, 1000 Genomes Project, or Exome Aggregation Consortium.;Protein length changes due to in-frame deletions/insertions in a non-repeat region or stop-loss variants.;The prevalence of the variant in affected individuals is significantly increased compared to the prevalence in controls.;Assumed de novo, but without confirmation of paternity and maternity.

NM_001135998.3(NDUFB11):c.270CTT[2] (p.Phe93del)

Gene: NDUFB11 (NADH:ubiquinone oxidoreductase subunit B11; minus strand). Cytogenetic location: Xp11.3.
Variant type: Microsatellite.
Coding change: c.270CTT[2] on transcript NM_001135998.3 (MANE Select); two copies in a row of the 3-base unit CTT starting at c.270; the reference has three copies in a row; one copy, 3 bases deleted; also written c.276_278del.
Protein change: p.Phe93del; deletes phenylalanine 93.
Molecular consequence: inframe deletion.
Genome position (GRCh38, 1-based): chrX:47,142,674-47,142,676, AAG deleted on the plus strand (CTT on the coding strand, the reverse complement: NDUFB11 is on the minus strand); deleting any 3 consecutive bases within chrX:47,142,674-47,142,683 gives the same sequence; the position shown is the placement nearest the transcript's 3' end. VCF-style (leftmost placement, unchanged base first): chrX-47142673-AAAG-A. GRCh37 (hg19) VCF-style: chrX-47002072-AAAG-A.
Other names: c.276_278del (NM_001135998.3, NM_019056.7); c.270CTT[2], p.Phe93del (NM_019056.7); short protein forms F93del.
Identifiers: ClinVar variation 2442422 (VCV002442422.4), dbSNP rs2520209894, ClinGen allele CA2573047655.